The following is an entry in ClinVar:

ClinVar aggregate classification (germline): Conflicting classifications of pathogenicity. Review status: criteria provided, conflicting classifications (1 of 4 stars). 10 submissions from 10 submitters: Uncertain significance (3); Likely benign (7). Last evaluated 2026-08-07.

Conditions:
Cardiovascular phenotype. Identifiers: MedGen CN230736.
Arrhythmogenic right ventricular dysplasia 5. Also called: ARRHYTHMOGENIC RIGHT VENTRICULAR DYSPLASIA, FAMILIAL, 5; Arrhythmogenic Right Ventricular Dysplasia/Cardiomyopathy 5. Identifiers: MedGen C1858379, MONDO:0011459, OMIM 604400.
Cardiomyopathy (CMYO). Also called: Cardiomyopathies. Identifiers: Orphanet 167848, MedGen C0878544, MONDO:0004994, HP:0001638. Inheritance: Various modes of inheritance.
TMEM43-related disorder. Also called: TMEM43-related condition.

Allele frequency attached by ClinVar (database versions not stated): gnomAD 0.00001 and 0.00002; gnomAD exomes 0.00006 and 0.00024; TOPMed 0.00007; ExAC 0.00029.

Submissions (10):

PreventionGenetics, part of Exact Sciences
Classification: Likely benign for TMEM43-related condition. Last evaluated: 2026-08-07. Review status: criteria provided, single submitter. Criteria: ACMG Guidelines, 2015. Collection method: clinical testing. Allele origin: germline.
Comment: This variant is classified as likely benign based on ACMG/AMP sequence variant interpretation guidelines (Richards et al. 2015 PMID: 25741868, with internal and published modifications).

CeGaT Center for Human Genetics Tuebingen
Classification: Likely benign. Last evaluated: 2026-06-01. Review status: criteria provided, single submitter. Criteria: CeGaT Center For Human Genetics Tuebingen Variant Classification Criteria Version 2. Collection method: clinical testing. Allele origin: germline. Affected: yes. Observed: 1 variant allele.
Comment: TMEM43: BS1

Labcorp Genetics (formerly Invitae), Labcorp
Classification: Likely benign for Arrhythmogenic right ventricular dysplasia 5. Last evaluated: 2026-01-31. Review status: criteria provided, single submitter. Criteria: Invitae Variant Classification Sherloc (09022015). Collection method: clinical testing. Allele origin: germline.

Ambry Genetics
Classification: Likely benign for Cardiovascular phenotype. Last evaluated: 2025-02-03. Review status: criteria provided, single submitter. Criteria: Ambry Variant Classification Scheme 2023. Collection method: clinical testing. Allele origin: germline.

GeneDx
Classification: Uncertain significance. Last evaluated: 2023-11-20. Review status: criteria provided, single submitter. Criteria: GeneDx Variant Classification Process June 2021. Collection method: clinical testing. Allele origin: germline. Affected: yes.
Comment: Has not been previously published as pathogenic or benign to our knowledge; Frameshift variant predicted to result in protein extension as the last 27 amino acids are lost and replaced with 48 incorrect amino acids; This variant is associated with the following publications: (PMID: 33968641)

Women's Health and Genetics/Laboratory Corporation of America, LabCorp
Classification: Likely benign. Last evaluated: 2022-07-25. Review status: criteria provided, single submitter. Criteria: LabCorp Variant Classification Summary - May 2015. Collection method: clinical testing. Allele origin: germline.
Comment: Variant summary: TMEM43 c.1120_1121delCT (p.Leu374ValfsX49) causes a frameshift which results in an extension of the protein. The variant allele was found at a frequency of 0.00024 in 251428 control chromosomes, predominantly at a frequency of 0.0016 within the Latino subpopulation in the gnomAD database. The observed variant frequency within Latino control individuals in the gnomAD database is approximately 192-fold of the estimated maximal expected allele frequency for a pathogenic variant in TMEM43 causing Arrhythmogenic Right Ventricular Dysplasia/Cardiomyopathy phenotype (8.3e-06), strongly suggesting that the variant is a benign polymorphism found primarily in populations of Latino origin. c.1120_1121delCT has been reported in the literature as a secondary finding in individual(s) undergoing genetic testing for noncardiac reasons (Abicht_2021). This report does not provide unequivocal conclusions about association of the variant with Arrhythmogenic Right Ventricular Dysplasia/Cardiomyopathy. To our knowledge, no experimental evidence demonstrating an impact on protein function has been reported. Two ClinVar submitters (evaluation after 2014) cite the variant as likely benign and three ClinVar submitters (evaluation after 2014) cite it as uncertain significance. Based on the evidence outlined above, the variant was classified as likely benign.

Blueprint Genetics
Classification: Likely benign. Last evaluated: 2021-07-20. Review status: criteria provided, single submitter. Criteria: ACMG Guidelines, 2015. Collection method: clinical testing. Allele origin: germline.

Color Diagnostics, LLC DBA Color Health
Classification: Likely benign for Cardiomyopathy. Last evaluated: 2019-01-16. Review status: criteria provided, single submitter. Criteria: ACMG Guidelines, 2015. Collection method: clinical testing. Allele origin: germline.

Laboratory for Molecular Medicine, Mass General Brigham Personalized Medicine
Classification: Uncertain significance. Last evaluated: 2017-03-01. Review status: criteria provided, single submitter. Criteria: LMM Criteria. Collection method: clinical testing. Allele origin: germline.
Comment: Variant identified in a genome or exome case(s) and assessed due to predicted null impact of the variant or pathogenic assertions in the literature or databases. Disclaimer: This variant has not undergone full assessment. The following are preliminary notes: High ExAC freq. No LoF variants in HGMD

Athena Diagnostics
Classification: Uncertain significance. Last evaluated: 2016-12-28. Review status: criteria provided, single submitter. Criteria: Athena Diagnostics Criteria. Collection method: clinical testing. Allele origin: germline.

Literature cited by the submitters: PubMed 33968641 (cited by Women's Health and Genetics/Laboratory Corporation of America, LabCorp).

NM_024334.3(TMEM43):c.1120_1121del (p.Leu374fs)

Gene: TMEM43 (transmembrane protein 43; plus strand). Cytogenetic location: 3p25.1.
Variant type: Deletion.
Coding change: c.1120_1121del on transcript NM_024334.3 (MANE Select); coding-DNA positions 1120 to 1121, 2 bases deleted (CT; older notation c.1120_1121delCT).
Protein change: p.Leu374fs; shifts the reading frame from leucine 374.
Molecular consequence: frameshift variant.
Genome position (GRCh38, 1-based): chr3:14,141,712-14,141,713, CT deleted. VCF-style (leftmost placement, unchanged base first): chr3-14141711-CCT-C. GRCh37 (hg19) VCF-style: chr3-14183211-CCT-C.
Other names: c.1120_1121delCT (NM_024334.2).
Identifiers: ClinVar variation 343509 (VCV000343509.27), dbSNP rs746672224, ClinGen allele CA051278.